The following is an entry in ClinVar:

NM_007294.4(BRCA1):c.4899C>A (p.Ser1633Arg)

Gene: BRCA1 (BRCA1 DNA repair associated; minus strand). Cytogenetic location: 17q21.31.
Variant type: single nucleotide variant.
Coding change: c.4899C>A on transcript NM_007294.4 (MANE Select); coding-DNA position 4899, C replaced by A.
Protein change: p.Ser1633Arg; replaces serine 1633 with arginine.
Molecular consequence: missense variant. On other transcripts: non-coding transcript variant (1).
Genome position (GRCh38, 1-based): chr17:43,071,015, G>T on the plus strand (C>A on the coding strand, the complement: BRCA1 is on the minus strand). VCF-style: chr17-43071015-G-T. GRCh37 (hg19) VCF-style: chr17-41223032-G-T.
Other names: c.4686C>A, p.Ser1562Arg (NM_001407571.1, NM_001407899.1, NM_001407900.1 and 12 more transcripts); c.4965C>A, p.Ser1655Arg (NM_001407581.1, NM_001407582.1); c.4962C>A, p.Ser1654Arg (NM_001407583.1, NM_001407585.1, NM_001407587.1 and 1 more transcripts); c.4959C>A, p.Ser1653Arg (NM_001407590.1, NM_001407591.1); c.4899C>A, p.Ser1633Arg (NM_001407593.1, NM_001407594.1, NM_001407596.1 and 8 more transcripts); c.4896C>A, p.Ser1632Arg (NM_001407610.1, NM_001407611.1, NM_001407612.1 and 17 more transcripts); c.4893C>A, p.Ser1631Arg (NM_001407628.1, NM_001407629.1, NM_001407630.1 and 14 more transcripts); c.4842C>A, p.Ser1614Arg (NM_001407648.1); and 70 more; short protein forms S1633R, S1586R, S1654R, S529R, S1464R, S1479R, S1521R, S1522R.
Identifiers: ClinVar variation 631413 (VCV000631413.7), dbSNP rs1567774741, ClinGen allele CA10591727.

ClinVar aggregate classification (germline): Uncertain significance. Review status: criteria provided, multiple submitters, no conflicts (2 of 4 stars). 2 submissions from 2 submitters: Uncertain significance (2). Last evaluated 2025-10-14.

Conditions:
Hereditary breast ovarian cancer syndrome. Also called: Hereditary breast and ovarian cancer syndrome (HBOC); Hereditary breast and ovarian cancer; BRCA1- and BRCA2-Associated Hereditary Breast and Ovarian Cancer; Breast and ovarian cancer; Hereditary breast and ovarian cancer syndrome; Hereditary breast and/or ovarian cancer syndrome. Identifiers: Orphanet 145, MedGen C0677776, MeSH D061325, MONDO:0003582. Disease mechanism: loss of function.
Hereditary cancer-predisposing syndrome. Also called: Hereditary neoplastic syndrome; Tumor predisposition; Hereditary Cancer Syndrome; Neoplastic Syndromes, Hereditary. Identifiers: Orphanet 140162, MedGen C0027672, MeSH D009386, MONDO:0015356.

Submissions (3):

Labcorp Genetics (formerly Invitae), Labcorp
Classification: Uncertain significance for Hereditary breast ovarian cancer syndrome. Last evaluated: 2025-10-14. Review status: criteria provided, single submitter. Criteria: Invitae Variant Classification Sherloc (09022015). Collection method: clinical testing. Allele origin: germline.
Comment: This sequence change replaces serine, which is neutral and polar, with arginine, which is basic and polar, at codon 1633 of the BRCA1 protein (p.Ser1633Arg). This variant is not present in population databases (gnomAD no frequency). This variant has not been reported in the literature in individuals affected with BRCA1-related conditions. ClinVar contains an entry for this variant (Variation ID: 631413). Invitae Evidence Modeling incorporating data from in vitro experimental studies (PMID: 30209399) indicates that this missense variant is not expected to disrupt BRCA1 function with a negative predictive value of 95%. In summary, the available evidence is currently insufficient to determine the role of this variant in disease. Therefore, it has been classified as a Variant of Uncertain Significance.

Color Diagnostics, LLC DBA Color Health
Classification: Uncertain significance for Hereditary cancer-predisposing syndrome. Last evaluated: 2019-04-08. Review status: criteria provided, single submitter. Criteria: ACMG Guidelines, 2015. Collection method: clinical testing. Allele origin: germline.

Brotman Baty Institute, University of Washington
No classification provided (evidence only). Condition: Breast-ovarian cancer, familial 1. Review status: no classification provided. Collection method: in vitro. Allele origin: not applicable. Functional consequence: functionally_normal. Not counted in ClinVar's aggregate classification.
ClinVar note: "not provided" was previously submitted as the classification for the variant. However, the classification appeared to be based only on an observation of functional data so it was converted to no classification on 2025-07-30.

Literature cited by the submitters: PubMed 30209399 (cited by Labcorp Genetics (formerly Invitae), Labcorp).